The following is an entry in ClinVar:

NM_000214.3(JAG1):c.651C>A (p.Asn217Lys)

Gene: JAG1 (jagged canonical Notch ligand 1; minus strand). Cytogenetic location: 20p12.2.
Variant type: single nucleotide variant.
Coding change: c.651C>A on transcript NM_000214.3 (MANE Select); coding-DNA position 651, C replaced by A.
Protein change: p.Asn217Lys; replaces asparagine 217 with lysine.
Molecular consequence: missense variant.
Genome position (GRCh38, 1-based): chr20:10,658,511, G>T on the plus strand (C>A on the coding strand, the complement: JAG1 is on the minus strand). VCF-style: chr20-10658511-G-T. GRCh37 (hg19) VCF-style: chr20-10639159-G-T.
Other names: short protein forms N217K.
Identifiers: ClinVar variation 1753997 (VCV001753997.3), dbSNP rs2514526446, ClinGen allele CA408239986.

ClinVar aggregate classification (germline): Uncertain significance. Review status: criteria provided, multiple submitters, no conflicts (2 of 4 stars). 2 submissions from 2 submitters: Uncertain significance (2). Last evaluated 2022-03-03.

Conditions:
Cardiovascular phenotype. Identifiers: MedGen CN230736.

Submissions (2):

Ambry Genetics
Classification: Uncertain significance for Cardiovascular phenotype. Last evaluated: 2022-03-03. Review status: criteria provided, single submitter. Criteria: Ambry Variant Classification Scheme 2023. Collection method: clinical testing. Allele origin: germline.
Comment: The p.N217K variant (also known as c.651C>A), located in coding exon 4 of the JAG1 gene, results from a C to A substitution at nucleotide position 651. The asparagine at codon 217 is replaced by lysine, an amino acid with similar properties. This amino acid position is conserved. In addition, the in silico prediction for this alteration is inconclusive. Since supporting evidence is limited at this time, the clinical significance of this alteration remains unclear.

Blueprint Genetics
Classification: Uncertain significance. Last evaluated: 2021-08-23. Review status: criteria provided, single submitter. Criteria: ACMG Guidelines, 2015. Collection method: clinical testing. Allele origin: germline.